The following is an entry in ClinVar:

ClinVar aggregate classification (germline): Uncertain significance (1 of 4 stars; one submission).

gnomAD v4.1: 21 of 1,613,848 alleles (0.0013%); highest among the groups gnomAD compares: East Asian, 0.0045%; no homozygotes.

Submission:

Women's Health and Genetics/Laboratory Corporation of America, LabCorp
Classification: Uncertain significance. Last evaluated: 2025-03-10. Review status: criteria provided, single submitter. Criteria: LabCorp Variant Classification Summary - May 2015. Collection method: clinical testing. Allele origin: germline.
Comment: Variant summary: NOTCH3 c.731G>A (p.Arg244Gln) results in a conservative amino acid change in the encoded protein sequence. Five of five in-silico tools predict a benign effect of the variant on protein function. The variant allele was found at a frequency of 2e-05 in 250544 control chromosomes. The available data on variant occurrences in the general population are insufficient to allow any conclusion about variant significance. To our knowledge, no occurrence of c.731G>A in individuals affected with Cerebral arteriopathy, autosomal dominant, with subcortical infarcts and leukoencephalopathy, type 1 and no experimental evidence demonstrating its impact on protein function have been reported. No submitters have cited clinical-significance assessments for this variant to ClinVar. Based on the evidence outlined above, the variant was classified as uncertain significance.

NM_000435.3(NOTCH3):c.731G>A (p.Arg244Gln)

Gene: NOTCH3 (notch receptor 3; minus strand). Cytogenetic location: 19p13.12.
Variant type: single nucleotide variant.
Coding change: c.731G>A on transcript NM_000435.3 (MANE Select); coding-DNA position 731, G replaced by A.
Protein change: p.Arg244Gln; replaces arginine 244 with glutamine.
Molecular consequence: missense variant.
Genome position (GRCh38, 1-based): chr19:15,191,816, C>T on the plus strand (G>A on the coding strand, the complement: NOTCH3 is on the minus strand). VCF-style: chr19-15191816-C-T. GRCh37 (hg19) VCF-style: chr19-15302627-C-T.
Other names: short protein forms R244Q.
Identifiers: ClinVar variation 3895732 (VCV003895732.1).